The following is an entry in ClinVar:

ClinVar aggregate classification (germline): Pathogenic/Likely pathogenic. Review status: criteria provided, multiple submitters, no conflicts (2 of 4 stars). 2 submissions from 2 submitters: Pathogenic (1); Likely pathogenic (1). Last evaluated 2025-07-06.

Conditions:
ABCA4-related disorder. Also called: ABCA4-related disorders; ABCA4-related condition. Identifiers: MedGen CN239167.

Submissions (2):

Labcorp Genetics (formerly Invitae), Labcorp
Classification: Pathogenic. Last evaluated: 2025-07-06. Review status: criteria provided, single submitter. Criteria: Invitae Variant Classification Sherloc (09022015). Collection method: clinical testing. Allele origin: germline.
Comment: This sequence change creates a premature translational stop signal (p.Trp925*) in the ABCA4 gene. It is expected to result in an absent or disrupted protein product. Loss-of-function variants in ABCA4 are known to be pathogenic (PMID: 10958761, 24938718, 25312043, 26780318). This variant is not present in population databases (gnomAD no frequency). This premature translational stop signal has been observed in individual(s) with Stargardt disease (PMID: 31543898, 32307445). ClinVar contains an entry for this variant (Variation ID: 3718572). For these reasons, this variant has been classified as Pathogenic.

Blueprint Genetics
Classification: Likely pathogenic for ABCA4-related disorders. Last evaluated: 2019-07-12. Review status: criteria provided, single submitter. Criteria: ACMG Guidelines, 2015. Collection method: clinical testing. Allele origin: germline. Affected: yes. Observed: 1 variant allele.

Literature cited by the submitters: PubMed 10958761 (cited by Labcorp Genetics (formerly Invitae), Labcorp); PubMed 24938718 (cited by Labcorp Genetics (formerly Invitae), Labcorp); PubMed 25312043 (cited by Labcorp Genetics (formerly Invitae), Labcorp); PubMed 26780318 (cited by Labcorp Genetics (formerly Invitae), Labcorp); PubMed 31543898 (cited by Labcorp Genetics (formerly Invitae), Labcorp); PubMed 32307445 (cited by Labcorp Genetics (formerly Invitae), Labcorp).

NM_000350.3(ABCA4):c.2774G>A (p.Trp925Ter)

Gene: ABCA4 (ATP binding cassette subfamily A member 4; minus strand). Cytogenetic location: 1p22.1.
Variant type: single nucleotide variant.
Coding change: c.2774G>A on transcript NM_000350.3 (MANE Select); coding-DNA position 2774, G replaced by A.
Protein change: p.Trp925Ter; replaces tryptophan 925 with a stop codon.
Molecular consequence: nonsense.
Genome position (GRCh38, 1-based): chr1:94,047,063, C>T on the plus strand (G>A on the coding strand, the complement: ABCA4 is on the minus strand). VCF-style: chr1-94047063-C-T. GRCh37 (hg19) VCF-style: chr1-94512619-C-T.
Other names: c.2552G>A, p.Trp851Ter (NM_001425324.1); short protein forms W925*, W851*.
Identifiers: ClinVar variation 3718572 (VCV003718572.3).